The following is an entry in ClinVar:

NM_000214.3(JAG1):c.850T>C (p.Cys284Arg)

Gene: JAG1 (jagged canonical Notch ligand 1; minus strand). Cytogenetic location: 20p12.2.
Variant type: single nucleotide variant.
Coding change: c.850T>C on transcript NM_000214.3 (MANE Select); coding-DNA position 850, T replaced by C.
Protein change: p.Cys284Arg; replaces cysteine 284 with arginine.
Molecular consequence: missense variant.
Genome position (GRCh38, 1-based): chr20:10,652,504, A>G on the plus strand (T>C on the coding strand, the complement: JAG1 is on the minus strand). VCF-style: chr20-10652504-A-G. GRCh37 (hg19) VCF-style: chr20-10633152-A-G.
Other names: short protein forms C284R.
Identifiers: ClinVar variation 2045666 (VCV002045666.4), dbSNP rs2514521701, ClinGen allele CA408239274.

ClinVar aggregate classification (germline): Uncertain significance (1 of 4 stars; one submission).

Conditions:
Alagille syndrome due to a JAG1 point mutation. Also called: Alagille Syndrome 1; JAG1-Related Alagille Syndrome; HEPATIC DUCTULAR HYPOPLASIA, SYNDROMATIC. Identifiers: Orphanet 261619, Orphanet 52, MedGen C1956125, MONDO:0016862, OMIM 118450.

Submission:

Labcorp Genetics (formerly Invitae), Labcorp
Classification: Uncertain significance for Alagille syndrome due to a JAG1 point mutation. Last evaluated: 2021-12-17. Review status: criteria provided, single submitter. Criteria: Invitae Variant Classification Sherloc (09022015). Collection method: clinical testing. Allele origin: germline.
Comment: This variant has not been reported in the literature in individuals affected with JAG1-related conditions. Advanced modeling of protein sequence and biophysical properties (such as structural, functional, and spatial information, amino acid conservation, physicochemical variation, residue mobility, and thermodynamic stability) performed at Invitae indicates that this missense variant is expected to disrupt JAG1 protein function. In summary, the available evidence is currently insufficient to determine the role of this variant in disease. Therefore, it has been classified as a Variant of Uncertain Significance. This variant is not present in population databases (gnomAD no frequency). This sequence change replaces cysteine, which is neutral and slightly polar, with arginine, which is basic and polar, at codon 284 of the JAG1 protein (p.Cys284Arg).